The following is an entry in ClinVar:

NM_000117.3(EMD):c.400G>A (p.Val134Met)

Gene: EMD (emerin; plus strand). Cytogenetic location: Xq28.
Variant type: single nucleotide variant.
Coding change: c.400G>A on transcript NM_000117.3 (MANE Select); coding-DNA position 400, G replaced by A.
Protein change: p.Val134Met; replaces valine 134 with methionine.
Molecular consequence: missense variant.
Genome position (GRCh38, 1-based): chrX:154,380,753, G>A. VCF-style: chrX-154380753-G-A. GRCh37 (hg19) VCF-style: chrX-153609113-G-A.
Other names: short protein forms V134M.
Identifiers: ClinVar variation 444835 (VCV000444835.52), dbSNP rs201250825, ClinGen allele CA337289975.

ClinVar aggregate classification (germline): Conflicting classifications of pathogenicity. Review status: criteria provided, conflicting classifications (1 of 4 stars). 6 submissions from 6 submitters: Uncertain significance (4); Likely benign (1). 1 of the submissions does not count toward it. Last evaluated 2024-09-18.

Conditions:
Emery-Dreifuss muscular dystrophy 1, X-linked (EDMD1). Also called: SCAPULOPERONEAL SYNDROME, X-LINKED; HUMEROPERONEAL NEUROMUSCULAR DISEASE; Muscular dystrophy, tardive, Dreifuss-Emery type, with contractures; EMD-Related Emery-Dreifuss Muscular Dystrophy, X-Linked. Identifiers: MedGen CN375556, MONDO:0100531, OMIM 310300.
Emery-Dreifuss muscular dystrophy (EDMD). Also called: Scapuloperoneal syndrome, X-linked (formerly); Humeroperoneal neuromuscular disease, (formerly). Identifiers: Orphanet 261, MedGen C0410189, MONDO:0016830.
Cardiovascular phenotype. Identifiers: MedGen CN230736.
X-linked Emery-Dreifuss muscular dystrophy. Also called: Muscular dystrophy, tardive Emery-Dreifuss type, with contractures. Identifiers: Orphanet 261, Orphanet 98863, MedGen C0751337, MONDO:0010680.

Allele frequency attached by ClinVar (database versions not stated): gnomAD 0.00001; gnomAD exomes 0.00001.

Submissions (6):

Ambry Genetics
Classification: Likely benign for Cardiovascular phenotype. Last evaluated: 2024-09-18. Review status: criteria provided, single submitter. Criteria: Ambry Variant Classification Scheme 2023. Collection method: clinical testing. Allele origin: germline.

Labcorp Genetics (formerly Invitae), Labcorp
Classification: Uncertain significance for X-linked Emery-Dreifuss muscular dystrophy. Last evaluated: 2021-08-30. Review status: criteria provided, single submitter. Criteria: Invitae Variant Classification Sherloc (09022015). Collection method: clinical testing. Allele origin: germline.
Comment: This sequence change replaces valine with methionine at codon 134 of the EMD protein (p.Val134Met). The valine residue is highly conserved and there is a small physicochemical difference between valine and methionine. This variant is not present in population databases (ExAC no frequency). This variant has not been reported in the literature in individuals affected with EMD-related conditions. ClinVar contains an entry for this variant (Variation ID: 444835). Algorithms developed to predict the effect of missense changes on protein structure and function output the following: SIFT: "Tolerated"; PolyPhen-2: "Benign"; Align-GVGD: "Class C0". The methionine amino acid residue is found in multiple mammalian species, which suggests that this missense change does not adversely affect protein function. In summary, the available evidence is currently insufficient to determine the role of this variant in disease. Therefore, it has been classified as a Variant of Uncertain Significance.

GeneDx
Classification: Uncertain significance. Last evaluated: 2019-07-16. Review status: criteria provided, single submitter. Criteria: GeneDx Variant Classification Process June 2021. Collection method: clinical testing. Allele origin: germline. Affected: yes.
Comment: Has not been previously published as pathogenic or benign to our knowledge; In silico analysis, which includes protein predictors and evolutionary conservation, supports that this variant does not alter protein structure/function

Revvity Omics, Revvity
Classification: Uncertain significance for Emery-Dreifuss muscular dystrophy 1, X-linked. Last evaluated: 2019-05-31. Review status: criteria provided, single submitter. Criteria: ACMG Guidelines, 2015. Collection method: clinical testing. Allele origin: germline.

CeGaT Center for Human Genetics Tuebingen
Classification: Uncertain significance. Last evaluated: 2017-05-01. Review status: criteria provided, single submitter. Criteria: CeGaT Center For Human Genetics Tuebingen Variant Classification Criteria Version 2. Collection method: clinical testing. Allele origin: germline. Affected: yes. Observed: 1 variant allele.

Natera, Inc.
Classification: Uncertain significance for Emery-Dreifuss muscular dystrophy. Last evaluated: 2020-09-16. Review status: no assertion criteria provided. Collection method: clinical testing. Allele origin: germline. Not counted in ClinVar's aggregate classification.

Literature cited by the submitters: PubMed 30847666 (cited by Ambry Genetics).